The following is an entry in ClinVar:

ClinVar aggregate classification (germline): Uncertain significance. Review status: criteria provided, multiple submitters, no conflicts (2 of 4 stars). 2 submissions from 2 submitters: Uncertain significance (2). Last evaluated 2025-03-31.

Allele frequency attached by ClinVar (database versions not stated): ExAC 0.00004; gnomAD 0.00003; ESP Exome Variant Server 0.00008.
gnomAD v4.1: 97 of 1,554,064 alleles (0.0062%); highest among the groups gnomAD compares: South Asian, 0.05%; no homozygotes.

Submissions (2):

Labcorp Genetics (formerly Invitae), Labcorp
Classification: Uncertain significance. Last evaluated: 2025-03-31. Review status: criteria provided, single submitter. Criteria: Invitae Variant Classification Sherloc (09022015). Collection method: clinical testing. Allele origin: germline.
Comment: This sequence change replaces leucine, which is neutral and non-polar, with valine, which is neutral and non-polar, at codon 1461 of the NIN protein (p.Leu1461Val). This variant is present in population databases (rs367935214, gnomAD 0.01%). This variant has not been reported in the literature in individuals affected with NIN-related conditions. ClinVar contains an entry for this variant (Variation ID: 2400800). An algorithm developed to predict the effect of missense changes on protein structure and function (PolyPhen-2) suggests that this variant is likely to be disruptive. In summary, the available evidence is currently insufficient to determine the role of this variant in disease. Therefore, it has been classified as a Variant of Uncertain Significance.

Ambry Genetics
Classification: Uncertain significance. Last evaluated: 2021-08-30. Review status: criteria provided, single submitter. Criteria: Ambry Variant Classification Scheme 2023. Collection method: clinical testing. Allele origin: germline.

NM_020921.4(NIN):c.4381T>G (p.Leu1461Val)

Gene: NIN (ninein; minus strand). Cytogenetic location: 14q22.1.
Variant type: single nucleotide variant.
Coding change: c.4381T>G on transcript NM_020921.4 (MANE Select); coding-DNA position 4381, T replaced by G.
Protein change: p.Leu1461Val; replaces leucine 1461 with valine.
Molecular consequence: missense variant. On other transcripts: intron variant (1).
Genome position (GRCh38, 1-based): chr14:50,756,649, A>C on the plus strand (T>G on the coding strand, the complement: NIN is on the minus strand). VCF-style: chr14-50756649-A-C. GRCh37 (hg19) VCF-style: chr14-51223367-A-C.
Other names: c.4381T>G, p.Leu1461Val (NM_182944.3, NM_182946.2); c.2400-1782T>G (NM_016350.5); short protein forms L1461V.
Identifiers: ClinVar variation 2400800 (VCV002400800.5), dbSNP rs367935214, ClinGen allele CA7181610.
Genomic context (GRCh38, chr14:50,756,649, plus strand): 5'-CATCTTTTTGCTTAACTAAAATAGTGACTCTCTCCTTCAACTTCCTAGTCAGCTCCTGTA[A>C]CTTTGTTTTCTCCAGTTCTAACTCTGCTATGGTGGCCTGATGCTGAAAATGTTTGTCTTG-3'
Protein context (NP_065972.4, residues 1451-1471): IAELELEKTK[Leu1461Val]QELTRKLKER